The following is an entry in ClinVar:

ClinVar aggregate classification (germline): Uncertain significance (1 of 4 stars; one submission).

gnomAD v4.1: 1 of 1,614,134 alleles (0.000062%); highest among the groups gnomAD compares: South Asian, 0.0011%; no homozygotes.

Submission:

CeGaT Center for Human Genetics Tuebingen
Classification: Uncertain significance. Last evaluated: 2025-04-01. Review status: criteria provided, single submitter. Criteria: CeGaT Center For Human Genetics Tuebingen Variant Classification Criteria Version 2. Collection method: clinical testing. Allele origin: germline. Affected: yes. Observed: 1 variant allele.
Comment: SMARCA2: PM2, PP2, BP4

NM_003070.5(SMARCA2):c.310C>G (p.Pro104Ala)

Gene: SMARCA2 (SWI/SNF related BAF chromatin remodeling complex subunit ATPase 2; plus strand). Cytogenetic location: 9p24.3.
Variant type: single nucleotide variant.
Coding change: c.310C>G on transcript NM_003070.5 (MANE Select); coding-DNA position 310, C replaced by G.
Protein change: p.Pro104Ala; replaces proline 104 with alanine.
Molecular consequence: missense variant.
Genome position (GRCh38, 1-based): chr9:2,033,036, C>G. VCF-style: chr9-2033036-C-G. GRCh37 (hg19) VCF-style: chr9-2033036-C-G.
Other names: c.310C>G, p.Pro104Ala (NM_001289396.2, NM_001289397.2, NM_139045.4); short protein forms P104A.
Identifiers: ClinVar variation 3898553 (VCV003898553.7).